The following is an entry in ClinVar:

ClinVar aggregate classification (germline): Likely benign (0 of 4 stars; one submission).

Conditions:
SETBP1-related disorder. Also called: SETBP1-related condition; SETBP1-related disorders.

Submission:

PreventionGenetics, part of Exact Sciences
Classification: Likely benign for SETBP1-related condition. Last evaluated: 2020-01-18. Review status: no assertion criteria provided. Collection method: clinical testing. Allele origin: germline.
Comment: This variant is classified as likely benign based on ACMG/AMP sequence variant interpretation guidelines (Richards et al. 2015 PMID: 25741868, with internal and published modifications).

NM_015559.3(SETBP1):c.4602G>C (p.Pro1534=)

Gene: SETBP1 (SET binding protein 1; plus strand). Cytogenetic location: 18q12.3.
Variant type: single nucleotide variant.
Coding change: c.4602G>C on transcript NM_015559.3 (MANE Select); coding-DNA position 4602, G replaced by C.
Protein change: p.Pro1534=; no amino-acid change (proline 1534 retained).
Molecular consequence: synonymous variant.
Genome position (GRCh38, 1-based): chr18:45,063,509, G>C. VCF-style: chr18-45063509-G-C. GRCh37 (hg19) VCF-style: chr18-42643474-G-C.
Other names: c.4602G>C, p.Pro1534= (NM_001379141.1, NM_001379142.1); c.4431G>C, p.Pro1477= (NM_001410862.1).
Identifiers: ClinVar variation 3037962 (VCV003037962.2), dbSNP rs1440179807, ClinGen allele CA503996001.